The following is an entry in ClinVar:

NM_006420.3(ARFGEF2):c.3681C>T (p.Ala1227=)

Gene: ARFGEF2 (ARF guanine nucleotide exchange factor 2; plus strand). Cytogenetic location: 20q13.13.
Variant type: single nucleotide variant.
Coding change: c.3681C>T on transcript NM_006420.3 (MANE Select); coding-DNA position 3681, C replaced by T.
Protein change: p.Ala1227=; no amino-acid change (alanine 1227 retained).
Molecular consequence: synonymous variant.
Genome position (GRCh38, 1-based): chr20:49,010,328, C>T. VCF-style: chr20-49010328-C-T. GRCh37 (hg19) VCF-style: chr20-47626865-C-T.
Identifiers: ClinVar variation 391745 (VCV000391745.3), dbSNP rs375483953, ClinGen allele CA9899007.

ClinVar aggregate classification (germline): Likely benign. Review status: criteria provided, multiple submitters, no conflicts (2 of 4 stars). 2 submissions from 2 submitters: Likely benign (2). Last evaluated 2025-08-18.

Allele frequency attached by ClinVar (database versions not stated): gnomAD 0.00002; gnomAD exomes 0.00002 and 0.00003; TOPMed 0.00002; ExAC 0.00004; ESP Exome Variant Server 0.00008.
gnomAD v4.1: 28 of 1,614,156 alleles (0.0017%); highest among the groups gnomAD compares: Admixed American, 0.0067%; no homozygotes.

Submissions (2):

Labcorp Genetics (formerly Invitae), Labcorp
Classification: Likely benign. Last evaluated: 2025-08-18. Review status: criteria provided, single submitter. Criteria: Invitae Variant Classification Sherloc (09022015). Collection method: clinical testing. Allele origin: germline.

GeneDx
Classification: Likely benign. Last evaluated: 2016-12-16. Review status: criteria provided, single submitter. Criteria: GeneDx Variant Classification (06012015). Collection method: clinical testing. Allele origin: germline. Affected: yes.
Comment: This variant is considered likely benign or benign based on one or more of the following criteria: it is a conservative change, it occurs at a poorly conserved position in the protein, it is predicted to be benign by multiple in silico algorithms, and/or has population frequency not consistent with disease.